The following is an entry in ClinVar:

NM_002778.4(PSAP):c.1006-2A>G

Gene: PSAP (prosaposin; minus strand). Cytogenetic location: 10q22.1.
Variant type: single nucleotide variant.
Coding change: c.1006-2A>G on transcript NM_002778.4 (MANE Select); the canonical splice acceptor site of the intron before coding-DNA position 1006, A replaced by G.
Molecular consequence: splice acceptor variant.
Genome position (GRCh38, 1-based): chr10:71,819,902, T>C on the plus strand (A>G on the coding strand, the complement: PSAP is on the minus strand). VCF-style: chr10-71819902-T-C. GRCh37 (hg19) VCF-style: chr10-73579659-T-C.
Other names: IVS9AS, A-G, -2; c.1012-2A>G (NM_001042466.3); c.1015-2A>G (NM_001042465.3).
Identifiers: ClinVar variation 13373 (VCV000013373.11), dbSNP rs1589446748, ClinGen allele CA377145424.

ClinVar aggregate classification (germline): Likely pathogenic. Review status: criteria provided, single submitter (1 of 4 stars). 2 submissions from 2 submitters: Likely pathogenic (1). 1 of the submissions does not count toward it. Last evaluated 2021-05-04.

Conditions:
Combined PSAP deficiency (PSAPD). Also called: PROSAPOSIN DEFICIENCY; Encephalopathy due to prosaposin deficiency; COMBINED SAP DEFICIENCY. Identifiers: Orphanet 139406, MedGen C2673635, MONDO:0012719, OMIM 611721.
Sphingolipid activator protein 1 deficiency. Also called: Saposin B Deficiency; Metachromatic leukodystrophy due to saposin B deficiency; METACHROMATIC LEUKODYSTROPHY DUE TO CEREBROSIDE SULFATASE ACTIVATOR DEFICIENCY. Identifiers: Orphanet 512, MedGen C0268262, MONDO:0009590, OMIM 249900.

Submissions (2):

Labcorp Genetics (formerly Invitae), Labcorp
Classification: Likely pathogenic for Sphingolipid activator protein 1 deficiency. Last evaluated: 2021-05-04. Review status: criteria provided, single submitter. Criteria: Invitae Variant Classification Sherloc (09022015). Collection method: clinical testing. Allele origin: germline.
Comment: This variant has been observed in individual(s) with saposin deficiency (PMID: 19267410). ClinVar contains an entry for this variant (Variation ID: 13373). In summary, the currently available evidence indicates that the variant is pathogenic, but additional data are needed to prove that conclusively. Therefore, this variant has been classified as Likely Pathogenic. This variant is not present in population databases (ExAC no frequency). This sequence change affects an acceptor splice site in intron 9 of the PSAP gene. RNA analysis indicates that this variant induces altered splicing and may result in an absent or disrupted protein product.

OMIM
Classification: Pathogenic for COMBINED SAPOSIN DEFICIENCY. Last evaluated: 2009-02-15. Review status: no assertion criteria provided. Collection method: literature only. Allele origin: germline. Not counted in ClinVar's aggregate classification.

Literature cited by the submitters: PubMed 19267410 (cited by Labcorp Genetics (formerly Invitae), Labcorp); Kuchar, L., Ledvinova, J., Hrebicek, M., Myskova, H., Dvorakova, L., Berna, L., Chrastina, P., Asfaw, B., Elleder, M., Petermoller, M., Mayrhofer, H., Staudt, M., Krageloh-Mann, I., Paton, B. C., Harzer, K. Prosaposin deficiency and saposin B deficiency (activator-deficient metachromatic leukodystrophy): report on two patients detected by analysis of urinary sphingolipids and carrying novel PSAP gene mutations. Am. J. Med. Genet. 149A: 613-621, 2009. (cited by OMIM).